The following is an entry in ClinVar:

ClinVar aggregate classification (germline): Uncertain significance. Review status: criteria provided, multiple submitters, no conflicts (2 of 4 stars). 2 submissions from 2 submitters: Uncertain significance (2). Last evaluated 2022-04-06.

Conditions:
Familial hemiplegic migraine. Identifiers: MedGen C0338484, MONDO:0000700.

Allele frequency attached by ClinVar (database versions not stated): gnomAD 0.00001.
gnomAD v4.1: 1 of 1,613,962 alleles (0.000062%); highest among the groups gnomAD compares: African/African-American, 0.0013%; no homozygotes.

Submissions (2):

Labcorp Genetics (formerly Invitae), Labcorp
Classification: Uncertain significance for Familial hemiplegic migraine. Last evaluated: 2022-04-06. Review status: criteria provided, single submitter. Criteria: Invitae Variant Classification Sherloc (09022015). Collection method: clinical testing. Allele origin: germline.
Comment: This variant has not been reported in the literature in individuals affected with ATP1A2-related conditions. In summary, the available evidence is currently insufficient to determine the role of this variant in disease. Therefore, it has been classified as a Variant of Uncertain Significance. Variants that disrupt the consensus splice site are a relatively common cause of aberrant splicing (PMID: 17576681, 9536098). Algorithms developed to predict the effect of sequence changes on RNA splicing suggest that this variant may disrupt the consensus splice site. ClinVar contains an entry for this variant (Variation ID: 1310087). This variant is present in population databases (no rsID available, gnomAD 0.01%). This sequence change falls in intron 20 of the ATP1A2 gene. It does not directly change the encoded amino acid sequence of the ATP1A2 protein. It affects a nucleotide within the consensus splice site.

GeneDx
Classification: Uncertain significance. Last evaluated: 2020-01-10. Review status: criteria provided, single submitter. Criteria: GeneDx Variant Classification Process June 2021. Collection method: clinical testing. Allele origin: germline. Affected: yes.
Comment: Intronic +5 splice site variant in a gene for which loss-of-function is a known mechanism of disease, and both in silico predictors and evolutionary conservation support a deleterious effect; Has not been previously published as pathogenic or benign to our knowledge

Literature cited by the submitters: PubMed 17576681 (cited by Labcorp Genetics (formerly Invitae), Labcorp); PubMed 9536098 (cited by Labcorp Genetics (formerly Invitae), Labcorp).

NM_000702.4(ATP1A2):c.2840+5G>A

Gene: ATP1A2 (ATPase Na+/K+ transporting subunit alpha 2; plus strand). Cytogenetic location: 1q23.2.
Variant type: single nucleotide variant.
Coding change: c.2840+5G>A on transcript NM_000702.4 (MANE Select); 5 bases into the intron after coding-DNA position 2840, G replaced by A.
Molecular consequence: intron variant.
Genome position (GRCh38, 1-based): chr1:160,137,036, G>A. VCF-style: chr1-160137036-G-A. GRCh37 (hg19) VCF-style: chr1-160106826-G-A.
Identifiers: ClinVar variation 1310087 (VCV001310087.6), dbSNP rs1254965849, ClinGen allele CA526593636.